The following is an entry in ClinVar:

NM_001356.5(DDX3X):c.1126_1127insT (p.Arg376fs)

Gene: DDX3X (DEAD-box helicase 3 X-linked; plus strand). Cytogenetic location: Xp11.4.
Variant type: Insertion.
Coding change: c.1126_1127insT on transcript NM_001356.5 (MANE Select); coding-DNA positions 1126 to 1127, T inserted.
Protein change: p.Arg376fs; shifts the reading frame from arginine 376.
Molecular consequence: frameshift variant. On other transcripts: non-coding transcript variant (1).
Genome position: GRCh38 VCF-style: chrX-41345280-C-CT. GRCh37 (hg19) VCF-style: chrX-41204533-C-CT.
Other names: c.1126_1127insT, p.Arg376fs (NM_001193416.3); c.1078_1079insT, p.Arg360fs (NM_001193417.3); c.568_569insT, p.Arg190fs (NM_001363819.1); short protein forms R360fs, R376fs, R190fs.
Identifiers: ClinVar variation 2032503 (VCV002032503.4), dbSNP rs2519518636, ClinGen allele CA2580100990.

ClinVar aggregate classification (germline): Pathogenic (1 of 4 stars; one submission).

Submission:

Labcorp Genetics (formerly Invitae), Labcorp
Classification: Pathogenic. Last evaluated: 2024-03-11. Review status: criteria provided, single submitter. Criteria: Invitae Variant Classification Sherloc (09022015). Collection method: clinical testing. Allele origin: germline.
Comment: This sequence change creates a premature translational stop signal (p.Arg376Leufs*7) in the DDX3X gene. It is expected to result in an absent or disrupted protein product. Loss-of-function variants in DDX3X are known to be pathogenic (PMID: 26235985). This variant is not present in population databases (gnomAD no frequency). This variant has not been reported in the literature in individuals affected with DDX3X-related conditions. ClinVar contains an entry for this variant (Variation ID: 2032503). Algorithms developed to predict the effect of sequence changes on RNA splicing suggest that this variant may disrupt the consensus splice site. For these reasons, this variant has been classified as Pathogenic.

Literature cited by the submitters: PubMed 26235985.